The following is an entry in ClinVar:

ClinVar aggregate classification (germline): Pathogenic/Likely pathogenic. Review status: criteria provided, multiple submitters, no conflicts (2 of 4 stars). 2 submissions from 2 submitters: Pathogenic (1); Likely pathogenic (1). Last evaluated 2024-06-19.

Conditions:
Congenital adrenal hyperplasia due to cytochrome P450 oxidoreductase deficiency. Also called: DISORDERED STEROIDOGENESIS DUE TO POR DEFICIENCY. Identifiers: Orphanet 95699, MedGen C1860042, MONDO:0013310, OMIM 613571.
Antley-Bixler syndrome with genital anomalies and disordered steroidogenesis (ABS1). Also called: POR Deficiency. Identifiers: Orphanet 63269, MedGen C3150099, MONDO:0008726, OMIM 201750.

Submissions (2):

Fulgent Genetics
Classification: Likely pathogenic for Antley-Bixler syndrome with genital anomalies and disordered steroidogenesis; Congenital adrenal hyperplasia due to cytochrome P450 oxidoreductase deficiency. Last evaluated: 2024-06-19. Review status: criteria provided, single submitter. Criteria: ACMG Guidelines, 2015. Collection method: clinical testing. Allele origin: germline.

Labcorp Genetics (formerly Invitae), Labcorp
Classification: Pathogenic for Congenital adrenal hyperplasia due to cytochrome P450 oxidoreductase deficiency. Last evaluated: 2024-02-23. Review status: criteria provided, single submitter. Criteria: Invitae Variant Classification Sherloc (09022015). Collection method: clinical testing. Allele origin: germline.
Comment: This sequence change creates a premature translational stop signal (p.Lys260Argfs*10) in the POR gene. It is expected to result in an absent or disrupted protein product. Loss-of-function variants in POR are known to be pathogenic (PMID: 14758361, 20732302, 21741353). This variant is not present in population databases (gnomAD no frequency). This variant has not been reported in the literature in individuals affected with POR-related conditions. ClinVar contains an entry for this variant (Variation ID: 1941965). For these reasons, this variant has been classified as Pathogenic.

Literature cited by the submitters: PubMed 14758361 (cited by Labcorp Genetics (formerly Invitae), Labcorp); PubMed 20732302 (cited by Labcorp Genetics (formerly Invitae), Labcorp); PubMed 21741353 (cited by Labcorp Genetics (formerly Invitae), Labcorp).

NM_001395413.1(POR):c.768del (p.Lys257fs)

Gene: POR (cytochrome p450 oxidoreductase; plus strand). Cytogenetic location: 7q11.23.
Variant type: Deletion.
Coding change: c.768del on transcript NM_001395413.1 (MANE Select); coding-DNA position 768, one base deleted (C; older notation c.768delC).
Protein change: p.Lys257fs; shifts the reading frame from lysine 257.
Molecular consequence: frameshift variant.
Genome position (GRCh38, 1-based): chr7:75,982,269, C deleted; the last of 2 consecutive C bases (chr7:75,982,268-75,982,269); deleting either gives the same sequence. VCF-style (leftmost placement, unchanged base first): chr7-75982267-GC-G. GRCh37 (hg19) VCF-style: chr7-75611585-GC-G.
Other names: c.777delC, p.Lys260Argfs (NM_000941.2, NM_000941.3); c.768del, p.Lys257fs (NM_001367562.3, NM_001382657.2, NM_001382658.3 and 2 more transcripts); c.822del, p.Lys275fs (NM_001382655.3); short protein forms K275fs, K257fs.
Identifiers: ClinVar variation 1941965 (VCV001941965.5), dbSNP rs1789094697, ClinGen allele CA1718178305.